The following is an entry in ClinVar:

NM_002519.3(NPAT):c.212C>G (p.Thr71Arg)

Gene: NPAT (nuclear protein, coactivator of histone transcription; minus strand). Cytogenetic location: 11q22.3.
Variant type: single nucleotide variant.
Coding change: c.212C>G on transcript NM_002519.3 (MANE Select); coding-DNA position 212, C replaced by G.
Protein change: p.Thr71Arg; replaces threonine 71 with arginine.
Molecular consequence: missense variant.
Genome position (GRCh38, 1-based): chr11:108,193,962, G>C on the plus strand (C>G on the coding strand, the complement: NPAT is on the minus strand). VCF-style: chr11-108193962-G-C. GRCh37 (hg19) VCF-style: chr11-108064689-G-C.
Other names: c.212C>G, p.Thr71Arg (NM_001321307.1); short protein forms T71R.
Identifiers: ClinVar variation 1786372 (VCV001786372.2), dbSNP rs1031638663, ClinGen allele CA382526771.

ClinVar aggregate classification (germline): Uncertain significance (1 of 4 stars; one submission).

Allele frequency attached by ClinVar (database versions not stated): gnomAD exomes below 0.00001.
gnomAD v4.1: 1 of 1,559,008 alleles (0.000064%); highest among the groups gnomAD compares: Non-Finnish European, 0.000088%; no homozygotes.

Submission:

Ambry Genetics
Classification: Uncertain significance. Last evaluated: 2022-10-14. Review status: criteria provided, single submitter. Criteria: Ambry Variant Classification Scheme 2023. Collection method: clinical testing. Allele origin: germline.
Comment: The p.T71R variant (also known as c.212C>G), located in coding exon 3 of the NPAT gene, results from a C to G substitution at nucleotide position 212. The threonine at codon 71 is replaced by arginine, an amino acid with similar properties. This amino acid position is conserved. In addition, this alteration is predicted to be tolerated by in silico analysis. Since supporting evidence is limited at this time, the clinical significance of this alteration remains unclear.